The following is an entry in ClinVar:

ClinVar aggregate classification (germline): Uncertain significance (1 of 4 stars; one submission).

Conditions:
Hurler syndrome. Also called: MUCOPOLYSACCHARIDOSIS TYPE IH; Severe MPS I (Hurler Syndrome); Gargoylism, Hurler Syndrome. Identifiers: Orphanet 93473, MedGen C0086795, MONDO:0011758, OMIM 607014.

Submission:

Baylor Genetics
Classification: Uncertain significance for Hurler syndrome. Last evaluated: 2018-12-27. Review status: criteria provided, single submitter. Criteria: ACMG Guidelines, 2015. Collection method: clinical testing. Allele origin: maternal. Affected: yes.
Comment: This variant was determined to be of uncertain significance according to ACMG Guidelines, 2015 [PMID:25741868].

NM_000203.5(IDUA):c.1477C>A (p.Pro493Thr)

Gene: IDUA (alpha-L-iduronidase; plus strand). Cytogenetic location: 4p16.3.
Variant type: single nucleotide variant.
Coding change: c.1477C>A on transcript NM_000203.5 (MANE Select); coding-DNA position 1477, C replaced by A.
Protein change: p.Pro493Thr; replaces proline 493 with threonine.
Molecular consequence: missense variant. On other transcripts: non-coding transcript variant (1).
Genome position (GRCh38, 1-based): chr4:1,003,110, C>A. VCF-style: chr4-1003110-C-A. GRCh37 (hg19) VCF-style: chr4-996898-C-A.
Other names: c.1081C>A, p.Pro361Thr (NM_001363576.1); short protein forms P361T, P493T.
Identifiers: ClinVar variation 1032253 (VCV001032253.1), dbSNP rs894585162, ClinGen allele CA355964664.
Genomic context (GRCh38, chr4:1,003,110, plus strand): 5'-ACGCGCTACCTGGACAACGGGCTCTGCAGCCCCGACGGCGAGTGGCGGCGCCTGGGCCGG[C>A]CCGTCTTCCCCACGGCAGAGCAGTTCCGGCGCATGCGCGCGGCTGAGGTAGGTGGGCCGC-3'
Protein context (NP_000194.2, residues 483-503): PDGEWRRLGR[Pro493Thr]VFPTAEQFRR